The following is an entry in ClinVar:

ClinVar aggregate classification (germline): Likely benign (1 of 4 stars; one submission).

Allele frequency attached by ClinVar (database versions not stated): ExAC 0.00001; gnomAD 0.00001; gnomAD exomes 0.00001; TOPMed 0.00003.
gnomAD v4.1: 10 of 1,594,176 alleles (0.00063%); highest among the groups gnomAD compares: African/African-American, 0.0094%; no homozygotes.

Submission:

CeGaT Center for Human Genetics Tuebingen
Classification: Likely benign. Last evaluated: 2022-03-01. Review status: criteria provided, single submitter. Criteria: CeGaT Center For Human Genetics Tuebingen Variant Classification Criteria Version 2. Collection method: clinical testing. Allele origin: germline. Affected: yes. Observed: 1 variant allele.
Comment: ADCY10: BP4

NM_018417.6(ADCY10):c.1021-8C>T

Genes: ADCY10 (adenylate cyclase 10; minus strand), DCAF6 (DDB1 and CUL4 associated factor 6; plus strand). Cytogenetic location: 1q24.2.
Variant type: single nucleotide variant.
Coding change: c.1021-8C>T on transcript NM_018417.6 (MANE Select); 8 bases into the intron before coding-DNA position 1021, C replaced by T.
Molecular consequence: intron variant.
Genome position (GRCh38, 1-based): chr1:167,880,617, G>A on the plus strand (C>T on the coding strand, the complement: ADCY10 is on the minus strand). VCF-style: chr1-167880617-G-A. GRCh37 (hg19) VCF-style: chr1-167849855-G-A.
Other names: c.562-8C>T (NM_001167749.3); c.745-8C>T (NM_001297772.2).
Identifiers: ClinVar variation 2639530 (VCV002639530.24), dbSNP rs773430803, ClinGen allele CA1228094.